The following is an entry in ClinVar:

NM_024675.4(PALB2):c.2638G>A (p.Ala880Thr)

Gene: PALB2 (partner and localizer of BRCA2; minus strand). Cytogenetic location: 16p12.2.
Variant type: single nucleotide variant.
Coding change: c.2638G>A on transcript NM_024675.4 (MANE Select); coding-DNA position 2638, G replaced by A.
Protein change: p.Ala880Thr; replaces alanine 880 with threonine.
Molecular consequence: missense variant.
Genome position (GRCh38, 1-based): chr16:23,626,346, C>T on the plus strand (G>A on the coding strand, the complement: PALB2 is on the minus strand). VCF-style: chr16-23626346-C-T. GRCh37 (hg19) VCF-style: chr16-23637667-C-T.
Other names: short protein forms A880T.
Identifiers: ClinVar variation 946773 (VCV000946773.9), dbSNP rs1966842713, ClinGen allele CA395122152.

ClinVar aggregate classification (germline): Conflicting classifications of pathogenicity. Review status: criteria provided, conflicting classifications (1 of 4 stars). 2 submissions from 2 submitters: Uncertain significance (1); Likely benign (1). Last evaluated 2025-11-17.

Conditions:
Familial cancer of breast. Also called: Hereditary breast cancer; hereditary breast carcinoma; BREAST CANCER, FAMILIAL. Identifiers: Orphanet 227535, MedGen C0346153, MONDO:0016419, OMIM 114480. Disease mechanism: loss of function.
Hereditary cancer-predisposing syndrome. Also called: Hereditary neoplastic syndrome; Neoplastic Syndromes, Hereditary; Tumor predisposition; Hereditary Cancer Syndrome. Identifiers: Orphanet 140162, MedGen C0027672, MeSH D009386, MONDO:0015356.

Allele frequency attached by ClinVar (database versions not stated): gnomAD exomes below 0.00001.
gnomAD v4.1: 6 of 1,614,202 alleles (0.00037%); highest among the groups gnomAD compares: Non-Finnish European, 0.00051%; no homozygotes.

Submissions (2):

Ambry Genetics
Classification: Likely benign for Hereditary cancer-predisposing syndrome. Last evaluated: 2025-11-17. Review status: criteria provided, single submitter. Criteria: Ambry Variant Classification Scheme 2023. Collection method: clinical testing. Allele origin: germline.

Labcorp Genetics (formerly Invitae), Labcorp
Classification: Uncertain significance for Familial cancer of breast. Last evaluated: 2021-09-01. Review status: criteria provided, single submitter. Criteria: Invitae Variant Classification Sherloc (09022015). Collection method: clinical testing. Allele origin: germline.
Comment: This sequence change replaces alanine with threonine at codon 880 of the PALB2 protein (p.Ala880Thr). The alanine residue is highly conserved and there is a small physicochemical difference between alanine and threonine. This variant is not present in population databases (ExAC no frequency). This variant has not been reported in the literature in individuals affected with PALB2-related conditions. Algorithms developed to predict the effect of missense changes on protein structure and function output the following: SIFT: "Tolerated"; PolyPhen-2: "Possibly Damaging"; Align-GVGD: "Class C0". The threonine amino acid residue is found in multiple mammalian species, which suggests that this missense change does not adversely affect protein function. In summary, the available evidence is currently insufficient to determine the role of this variant in disease. Therefore, it has been classified as a Variant of Uncertain Significance.